The following is an entry in ClinVar:

NM_001165963.4(SCN1A):c.3705+10del

Genes: SCN1A (sodium voltage-gated channel alpha subunit 1; minus strand), LOC102724058 (uncharacterized LOC102724058; plus strand). Cytogenetic location: 2q24.3.
Variant type: Deletion.
Coding change: c.3705+10del on transcript NM_001165963.4 (MANE Select); 10 bases into the intron after coding-DNA position 3705, one base deleted (A; older notation c.3705+10delA).
Molecular consequence: intron variant.
Genome position (GRCh38, 1-based): chr2:166,013,734, T deleted on the plus strand (A on the coding strand, the reverse complement: SCN1A is on the minus strand). VCF-style (leftmost placement, unchanged base first): chr2-166013733-AT-A. GRCh37 (hg19) VCF-style: chr2-166870243-AT-A.
Other names: c.3672+10del (NM_001353949.2, NM_001353950.2, NM_001353951.2 and 2 more transcripts); c.3621+10del (NM_001353958.2, NM_001353957.2, NM_001165964.3); c.3705+10del (NM_001202435.3, NM_001353948.2); c.3669+10del (NM_001353955.2, NM_001353954.2); c.3618+10del (NM_001353960.2); c.1263+10del (NM_001353961.2); c.3705+10delA (NM_001165963.1, NM_001202435.1).
Identifiers: ClinVar variation 206728 (VCV000206728.19), dbSNP rs570862962, ClinGen allele CA317098.

ClinVar aggregate classification (germline): Conflicting classifications of pathogenicity. Review status: criteria provided, conflicting classifications (1 of 4 stars). 6 submissions from 6 submitters: Uncertain significance (1); Benign (3); Likely benign (1). 1 of the submissions does not count toward it. Last evaluated 2026-01-01.

Conditions:
SCN1A-related disorder. Also called: SCN1A-related conditions; SCN1A-related condition; SCN1A-related disorders.
Early-infantile DEE. Also called: Ohtahara syndrome; Early infantile epileptic encephalopathy; Early infantile epileptic encephalopathy with suppression bursts. Identifiers: Orphanet 1934, MedGen C0393706, MONDO:0800491.

Allele frequency attached by ClinVar (database versions not stated): gnomAD below 0.00001 and 0.00011; TOPMed 0.00002; gnomAD exomes 0.00012 and 0.00024; ExAC 0.00023; 1000 Genomes Project 0.00140; 1000 Genomes Project 30x 0.00141.

Submissions (6):

Labcorp Genetics (formerly Invitae), Labcorp
Classification: Benign for Early-infantile DEE. Last evaluated: 2026-01-01. Review status: criteria provided, single submitter. Criteria: Invitae Variant Classification Sherloc (09022015). Collection method: clinical testing. Allele origin: germline.

ARUP Laboratories, Molecular Genetics and Genomics, ARUP Laboratories
Classification: Benign. Last evaluated: 2025-07-17. Review status: criteria provided, single submitter. Criteria: ARUP Molecular Germline Variant Investigation Process 2024. Collection method: clinical testing. Allele origin: germline.

Blueprint Genetics
Classification: Likely benign. Last evaluated: 2024-11-25. Review status: criteria provided, single submitter. Criteria: ACMG Guidelines, 2015. Collection method: clinical testing. Allele origin: germline.

Genetic Services Laboratory, University of Chicago
Classification: Uncertain significance. Last evaluated: 2014-08-14. Review status: criteria provided, single submitter. Criteria: ACMG Guidelines, 2015. Collection method: clinical testing. Allele origin: germline.

GeneDx
Classification: Benign. Last evaluated: 2013-09-24. Review status: criteria provided, single submitter. Criteria: GeneDx Variant Classification (06012015). Collection method: clinical testing. Allele origin: germline. Affected: yes.
Comment: The variant is found in EPILEPSY,CHILD-EPI panel(s).

PreventionGenetics, part of Exact Sciences
Classification: Likely benign for SCN1A-related condition. Last evaluated: 2022-11-02. Review status: no assertion criteria provided. Collection method: clinical testing. Allele origin: germline. Not counted in ClinVar's aggregate classification.
Comment: This variant is classified as likely benign based on ACMG/AMP sequence variant interpretation guidelines (Richards et al. 2015 PMID: 25741868, with internal and published modifications).